The following is an entry in ClinVar:

NM_052947.4(ALPK2):c.3856C>A (p.Pro1286Thr)

Genes: ALPK2 (alpha kinase 2; minus strand), LOC126862764 (BRD4-independent group 4 enhancer GRCh37_chr18:56202574-56203773; plus strand). Cytogenetic location: 18q21.31.
Variant type: single nucleotide variant.
Coding change: c.3856C>A on transcript NM_052947.4 (MANE Select); coding-DNA position 3856, C replaced by A.
Protein change: p.Pro1286Thr; replaces proline 1286 with threonine.
Molecular consequence: missense variant.
Genome position (GRCh38, 1-based): chr18:58,536,331, G>T on the plus strand (C>A on the coding strand, the complement: ALPK2 is on the minus strand). VCF-style: chr18-58536331-G-T. GRCh37 (hg19) VCF-style: chr18-56203563-G-T.
Other names: short protein forms P1286T.
Identifiers: ClinVar variation 1735555 (VCV001735555.2), dbSNP rs2051647338, ClinGen allele CA402565357.

ClinVar aggregate classification (germline): Uncertain significance (1 of 4 stars; one submission).

gnomAD v4.1: 4 of 1,614,188 alleles (0.00025%); highest among the groups gnomAD compares: Non-Finnish European, 0.00034%; no homozygotes.

Submission:

Ambry Genetics
Classification: Uncertain significance. Last evaluated: 2021-11-11. Review status: criteria provided, single submitter. Criteria: Ambry Variant Classification Scheme 2023. Collection method: clinical testing. Allele origin: germline.
Comment: The p.P1286T variant (also known as c.3856C>A), located in coding exon 4 of the ALPK2 gene, results from a C to A substitution at nucleotide position 3856. The proline at codon 1286 is replaced by threonine, an amino acid with highly similar properties. This amino acid position is conserved. In addition, this alteration is predicted to be tolerated by in silico analysis. Since supporting evidence is limited at this time, the clinical significance of this alteration remains unclear.